The following is an entry in ClinVar:

NM_004260.4(RECQL4):c.376del (p.Arg126fs)

Gene: RECQL4 (RecQ like helicase 4; minus strand). Cytogenetic location: 8q24.3.
Variant type: Deletion.
Coding change: c.376del on transcript NM_004260.4 (MANE Select); coding-DNA position 376, one base deleted (A; older notation c.376delA).
Protein change: p.Arg126fs; shifts the reading frame from arginine 126.
Molecular consequence: frameshift variant. On other transcripts: 5 prime UTR variant (13), non-coding transcript variant (3), intron variant (5).
Genome position (GRCh38, 1-based): chr8:144,516,743, T deleted on the plus strand (A on the coding strand, the reverse complement: RECQL4 is on the minus strand). VCF-style (leftmost placement, unchanged base first): chr8-144516742-CT-C. GRCh37 (hg19) VCF-style: chr8-145742126-CT-C.
Other names: c.376del, p.Arg126fs (NM_001413017.1, NM_001413018.1, NM_001413019.1 and 4 more transcripts); c.-696del (NM_001413022.1, NM_001413023.1, NM_001413037.1 and 3 more transcripts); c.247del, p.Arg83fs (NM_001413025.1); c.-758del (NM_001413027.1, NM_001413030.1, NM_001413031.1 and 1 more transcripts); c.-421del (NM_001413028.1); c.-600del (NM_001413034.1); c.-965del (NM_001413043.1); c.354+307del (NM_001413029.1); and 3 more; short protein forms R126fs, R83fs.
Identifiers: ClinVar variation 2749650 (VCV002749650.3), dbSNP rs2538102032, ClinGen allele CA2697550246.

ClinVar aggregate classification (germline): Pathogenic (1 of 4 stars; one submission).

Conditions:
Baller-Gerold syndrome (BGS). Also called: CRANIOSYNOSTOSIS WITH RADIAL DEFECTS. Identifiers: Orphanet 1225, MedGen C0265308, MONDO:0009039, OMIM 218600.

Submission:

Labcorp Genetics (formerly Invitae), Labcorp
Classification: Pathogenic for Baller-Gerold syndrome. Last evaluated: 2023-09-14. Review status: criteria provided, single submitter. Criteria: Invitae Variant Classification Sherloc (09022015). Collection method: clinical testing. Allele origin: germline.
Comment: This sequence change creates a premature translational stop signal (p.Arg126Aspfs*5) in the RECQL4 gene. It is expected to result in an absent or disrupted protein product. Loss-of-function variants in RECQL4 are known to be pathogenic (PMID: 12734318, 12952869). This variant is not present in population databases (gnomAD no frequency). This variant has not been reported in the literature in individuals affected with RECQL4-related conditions. For these reasons, this variant has been classified as Pathogenic.

Literature cited by the submitters: PubMed 12734318; PubMed 12952869.